The following is an entry in ClinVar:

NM_173560.4(RFX6):c.2553G>C (p.Gln851His)

Gene: RFX6 (regulatory factor X6; plus strand). Cytogenetic location: 6q22.1.
Variant type: single nucleotide variant.
Coding change: c.2553G>C on transcript NM_173560.4 (MANE Select); coding-DNA position 2553, G replaced by C.
Protein change: p.Gln851His; replaces glutamine 851 with histidine.
Molecular consequence: missense variant.
Genome position (GRCh38, 1-based): chr6:116,928,913, G>C. VCF-style: chr6-116928913-G-C. GRCh37 (hg19) VCF-style: chr6-117250076-G-C.
Other names: short protein forms Q851H.
Identifiers: ClinVar variation 3898810 (VCV003898810.1).
Genomic context (GRCh38, chr6:116,928,913, plus strand): 5'-GCCCCCCTACAGTGACATCCACGATCCACTTAACATTTTAGATGACAGTGGTAGAAAACA[G>C]ACCAGCTCGTTTTACACAGACACATCATCTCCAGTTGCATGTCGAACTCCAGTCCTAGGT-3'
Protein context (NP_775831.2, residues 841-861): LNILDDSGRK[Gln851His]TSSFYTDTSS

ClinVar aggregate classification (germline): Uncertain significance (1 of 4 stars; one submission).

Submission:

GeneDx
Classification: Uncertain significance. Last evaluated: 2024-11-12. Review status: criteria provided, single submitter. Criteria: GeneDx Variant Classification Process June 2021. Collection method: clinical testing. Allele origin: germline. Affected: yes.
Comment: Not observed at significant frequency in large population cohorts (gnomAD); In silico analysis indicates that this missense variant does not alter protein structure/function; Has not been previously published as pathogenic or benign to our knowledge